The following is an entry in ClinVar:

NM_001448.3(GPC4):c.1486G>T (p.Glu496Ter)

Gene: GPC4 (glypican 4; minus strand). Cytogenetic location: Xq26.2.
Variant type: single nucleotide variant.
Coding change: c.1486G>T on transcript NM_001448.3 (MANE Select); coding-DNA position 1486, G replaced by T.
Protein change: p.Glu496Ter; replaces glutamic acid 496 with a stop codon.
Molecular consequence: nonsense.
Genome position (GRCh38, 1-based): chrX:133,303,052, C>A on the plus strand (G>T on the coding strand, the complement: GPC4 is on the minus strand). VCF-style: chrX-133303052-C-A. GRCh37 (hg19) VCF-style: chrX-132437080-C-A.
Other names: short protein forms E496*.
Identifiers: ClinVar variation 547177 (VCV000547177.4), dbSNP rs1556022644, ClinGen allele CA414691007.

ClinVar aggregate classification (germline): Pathogenic. Review status: criteria provided, single submitter (1 of 4 stars). 3 submissions from 3 submitters: Pathogenic (1). 2 of the submissions do not count toward it. Last evaluated 2019-10-02.

Conditions:
Keipert syndrome (KPTS). Identifiers: Orphanet 2662, MedGen C1850627, MONDO:0009720, OMIM 301026.

Submissions (3):

SIB Swiss Institute of Bioinformatics
Classification: Pathogenic for Keipert syndrome. Last evaluated: 2019-10-02. Review status: criteria provided, single submitter. Criteria: ACMG Guidelines, 2015. Collection method: curation. Allele origin: unknown.
Comment: This variant is interpreted as a Pathogenic for Keipert syndrome, X-linked recessive. The following ACMG Tag(s) were applied: PM2, PS3-Moderate, PM1, PVS1-Strong.

OMIM
Classification: Pathogenic for KEIPERT SYNDROME. Last evaluated: 2019-06-14. Review status: no assertion criteria provided. Collection method: literature only. Allele origin: germline. Not counted in ClinVar's aggregate classification.

Neurogenetics Research; Murdoch Childrens Research Institute
Classification: Pathogenic for Keipert syndrome. Last evaluated: 2018-02-01. Review status: no assertion criteria provided. Collection method: research. Allele origin: germline. Affected: yes. Not counted in ClinVar's aggregate classification.
Comment: Pathogenic variants in GPC4 cause Keipert syndrome (nasodigitoacoustic syndrome)

Literature cited by the submitters: PubMed 30982611 (cited by SIB Swiss Institute of Bioinformatics and OMIM).